The following is an entry in ClinVar:

ClinVar aggregate classification (germline): Likely benign (1 of 4 stars; one submission).

gnomAD v4.1: 17 of 1,614,068 alleles (0.0011%); highest among the groups gnomAD compares: African/African-American, 0.02%; no homozygotes.

Submission:

CeGaT Center for Human Genetics Tuebingen
Classification: Likely benign. Last evaluated: 2026-03-01. Review status: criteria provided, single submitter. Criteria: CeGaT Center For Human Genetics Tuebingen Variant Classification Criteria Version 2. Collection method: clinical testing. Allele origin: germline. Affected: yes. Observed: 1 variant allele.
Comment: ADGRL1: BP4, BP7

NM_014921.5(ADGRL1):c.2595C>T (p.Ile865=)

Genes: ADGRL1 (adhesion G protein-coupled receptor L1; minus strand), ADGRL1-AS1 (ADGRL1 antisense RNA 1; plus strand). Cytogenetic location: 19p13.12.
Variant type: single nucleotide variant.
Coding change: c.2595C>T on transcript NM_014921.5 (MANE Select); coding-DNA position 2595, C replaced by T.
Protein change: p.Ile865=; no amino-acid change (isoleucine 865 retained).
Molecular consequence: synonymous variant.
Genome position (GRCh38, 1-based): chr19:14,157,401, G>A on the plus strand (C>T on the coding strand, the complement: ADGRL1 is on the minus strand). VCF-style: chr19-14157401-G-A. GRCh37 (hg19) VCF-style: chr19-14268213-G-A.
Other names: c.2610C>T, p.Ile870= (NM_001008701.3).
Identifiers: ClinVar variation 4823538 (VCV004823538.4).
Genomic context (GRCh38, chr19:14,157,401, plus strand): 5'-GGTCTGCAGCCCCCGCAGGAAGCAGAAGGTGGAGATGCAGATGGCCAAGCAGACCAGGGA[G>A]ATCACAATGCCCACCCAGGTGATGACCGACAGCAGCAGCTCGTTGATGCGGCCCTGGTAC-3'
Protein context (NP_055736.2, residues 855-875): LSVITWVGIV[Ile865=]SLVCLAICIS